The following is an entry in ClinVar:

NM_004447.6(EPS8):c.809T>C (p.Val270Ala)

Gene: EPS8 (EGFR pathway substrate 8, signaling adaptor; minus strand). Cytogenetic location: 12p12.3.
Variant type: single nucleotide variant.
Coding change: c.809T>C on transcript NM_004447.6 (MANE Select); coding-DNA position 809, T replaced by C.
Protein change: p.Val270Ala; replaces valine 270 with alanine.
Molecular consequence: missense variant. On other transcripts: non-coding transcript variant (3).
Genome position (GRCh38, 1-based): chr12:15,662,027, A>G on the plus strand (T>C on the coding strand, the complement: EPS8 is on the minus strand). VCF-style: chr12-15662027-A-G. GRCh37 (hg19) VCF-style: chr12-15814961-A-G.
Other names: c.809T>C, p.Val270Ala (NM_001413831.1, NM_001413832.1, NM_001413833.1 and 2 more transcripts); c.569T>C, p.Val190Ala (NM_001413835.1, NM_001413836.1); c.392T>C, p.Val131Ala (NM_001413837.1); c.29T>C, p.Val10Ala (NM_001413838.1); short protein forms V10A, V131A, V190A, V270A.
Identifiers: ClinVar variation 3340356 (VCV003340356.1).

ClinVar aggregate classification (germline): Uncertain significance (1 of 4 stars; one submission).

gnomAD v4.1: 1 of 1,612,634 alleles (0.000062%); highest among the groups gnomAD compares: Non-Finnish European, 0.000085%; no homozygotes.

Submission:

GeneDx
Classification: Uncertain significance. Last evaluated: 2024-03-15. Review status: criteria provided, single submitter. Criteria: GeneDx Variant Classification Process June 2021. Collection method: clinical testing. Allele origin: germline. Affected: yes.
Comment: Not observed at significant frequency in large population cohorts (gnomAD); In silico analysis supports that this missense variant has a deleterious effect on protein structure/function; Has not been previously published as pathogenic or benign to our knowledge